The following is an entry in ClinVar:

ClinVar aggregate classification (germline): Uncertain significance. Review status: criteria provided, multiple submitters, no conflicts (2 of 4 stars). 3 submissions from 3 submitters: Uncertain significance (3). Last evaluated 2024-02-10.

Conditions:
Hereditary cancer-predisposing syndrome. Also called: Neoplastic Syndromes, Hereditary; Hereditary Cancer Syndrome; Hereditary neoplastic syndrome; Tumor predisposition. Identifiers: Orphanet 140162, MedGen C0027672, MeSH D009386, MONDO:0015356.

Submissions (3):

Ambry Genetics
Classification: Uncertain significance for Hereditary cancer-predisposing syndrome. Last evaluated: 2024-02-10. Review status: criteria provided, single submitter. Criteria: Ambry Variant Classification Scheme 2023. Collection method: clinical testing. Allele origin: germline.
Comment: The p.L1537H variant (also known as c.4610T>A), located in coding exon 36 of the POLE gene, results from a T to A substitution at nucleotide position 4610. The leucine at codon 1537 is replaced by histidine, an amino acid with similar properties. This amino acid position is conserved. In addition, this alteration is predicted to be tolerated by in silico analysis. Based on the available evidence, the clinical significance of this alteration remains unclear.

Labcorp Genetics (formerly Invitae), Labcorp
Classification: Uncertain significance. Last evaluated: 2021-07-22. Review status: criteria provided, single submitter. Criteria: Invitae Variant Classification Sherloc (09022015). Collection method: clinical testing. Allele origin: germline.
Comment: Algorithms developed to predict the effect of missense changes on protein structure and function do not agree on the potential impact of this missense change (SIFT: "Deleterious"; PolyPhen-2: "Possibly Damaging"; Align-GVGD: "Class C0"). In summary, the available evidence is currently insufficient to determine the role of this variant in disease. Therefore, it has been classified as a Variant of Uncertain Significance. This variant has not been reported in the literature in individuals with POLE-related disease. This variant is not present in population databases (ExAC no frequency). This sequence change replaces leucine with histidine at codon 1537 of the POLE protein (p.Leu1537His). The leucine residue is moderately conserved and there is a moderate physicochemical difference between leucine and histidine.

Sema4
Classification: Uncertain significance for Hereditary cancer-predisposing syndrome. Last evaluated: 2021-05-05. Review status: criteria provided, single submitter. Criteria: Sema4 Curation Guidelines. Collection method: curation. Allele origin: germline.
Comment: The POLE c.4610T>A (p.L1537H) variant has not been reported in the literature to our knowledge. It was not observed in the large and broad cohorts of the Genome Aggregation Database (PMID: 32461654). The variant has been reported in ClinVar (Variation ID: 540677). In silico tools suggest the impact of the variant on protein function is inconclusive, though these predictions have not been confirmed by functional studies. The evidence is insufficient to meet ACMG/AMP criteria for classifying the variant as benign or pathogenic. Thus, the clinical significance of this variant is currently uncertain.

NM_006231.4(POLE):c.4610T>A (p.Leu1537His)

Gene: POLE (DNA polymerase epsilon, catalytic subunit; minus strand). Cytogenetic location: 12q24.33.
Variant type: single nucleotide variant.
Coding change: c.4610T>A on transcript NM_006231.4 (MANE Select); coding-DNA position 4610, T replaced by A.
Protein change: p.Leu1537His; replaces leucine 1537 with histidine.
Molecular consequence: missense variant.
Genome position (GRCh38, 1-based): chr12:132,642,938, A>T on the plus strand (T>A on the coding strand, the complement: POLE is on the minus strand). VCF-style: chr12-132642938-A-T. GRCh37 (hg19) VCF-style: chr12-133219524-A-T.
Other names: c.4610T>A (NM_006231.2); short protein forms L1537H.
Identifiers: ClinVar variation 540677 (VCV000540677.11), dbSNP rs1555222743, ClinGen allele CA387379177.